The following is an entry in ClinVar:

ClinVar aggregate classification (germline): Uncertain significance. Review status: criteria provided, multiple submitters, no conflicts (2 of 4 stars). 2 submissions from 2 submitters: Uncertain significance (2). Last evaluated 2025-04-10.

Submissions (2):

GeneDx
Classification: Uncertain significance. Last evaluated: 2025-04-10. Review status: criteria provided, single submitter. Criteria: GeneDx Variant Classification Process June 2021. Collection method: clinical testing. Allele origin: germline.
Comment: Not observed at significant frequency in large population cohorts (gnomAD); Missense variant in a gene in which most reported pathogenic variants are truncating/loss of function; Has not been previously published as pathogenic or benign to our knowledge

Revvity Omics, Revvity
Classification: Uncertain significance. Last evaluated: 2023-06-28. Review status: criteria provided, single submitter. Criteria: ACMG Guidelines, 2015. Collection method: clinical testing. Allele origin: germline.

NM_001267550.2(TTN):c.30328T>G (p.Trp10110Gly)

Gene: TTN (titin; minus strand). Cytogenetic location: 2q31.2.
Variant type: single nucleotide variant.
Coding change: c.30328T>G on transcript NM_001267550.2 (MANE Select); coding-DNA position 30328, T replaced by G.
Protein change: p.Trp10110Gly; replaces tryptophan 10110 with glycine.
Molecular consequence: missense variant. On other transcripts: intron variant (3).
Genome position (GRCh38, 1-based): chr2:178,702,559, A>C on the plus strand (T>G on the coding strand, the complement: TTN is on the minus strand). VCF-style: chr2-178702559-A-C. GRCh37 (hg19) VCF-style: chr2-179567286-A-C.
Other names: c.29377T>G, p.Trp9793Gly (NM_001256850.1); c.26596T>G, p.Trp8866Gly (NM_133378.4); c.13282+35523T>G (NM_003319.4); c.13858+35523T>G (NM_133437.4); c.13657+35523T>G (NM_133432.3); short protein forms W9793G, W10110G, W8866G.
Identifiers: ClinVar variation 1810550 (VCV001810550.4), dbSNP rs1236742636, ClinGen allele CA349571516.
Genomic context (GRCh38, chr2:178,702,559, plus strand): 5'-GGCCATCATTCCTGAAGTTGTATTTCTGGCTCTCTGTCAGTTCTGTTGGTCCTTTGTACC[A>C]TGTTACAATGGCATCATCAAAGGACACTTCACACTCAAAGGTGGCAGACTGATGCTCACT-3'
Protein context (NP_001254479.2, residues 10100-10120): EVSFDDAIVT[Trp10110Gly]YKGPTELTES